The following is an entry in ClinVar:

ClinVar aggregate classification (germline): Conflicting classifications of pathogenicity. Review status: criteria provided, conflicting classifications (1 of 4 stars). 8 submissions from 8 submitters: Uncertain significance (3); Likely benign (5). Last evaluated 2026-01-28.

Conditions:
Inborn genetic diseases. Identifiers: MedGen C0950123, MeSH D030342.
Familial hemophagocytic lymphohistiocytosis 4 (FHL4). Also called: STX11-Related Familial Hemophagocytic Lymphohistiocytosis (STX11-fHLH). Identifiers: Orphanet 540, MedGen C1863728, MONDO:0011336, OMIM 603552.

Allele frequency attached by ClinVar (database versions not stated): 1000 Genomes Project 30x 0.00016; 1000 Genomes Project 0.00020; ESP Exome Variant Server 0.00031; TOPMed 0.00057; gnomAD 0.00070 and 0.00076.
gnomAD v4.1: 1,233 of 1,614,122 alleles (0.076%); highest among the groups gnomAD compares: Non-Finnish European, 0.089%; 2 homozygotes.

Submissions (8):

Labcorp Genetics (formerly Invitae), Labcorp
Classification: Likely benign for Familial hemophagocytic lymphohistiocytosis 4. Last evaluated: 2026-01-28. Review status: criteria provided, single submitter. Criteria: Invitae Variant Classification Sherloc (09022015). Collection method: clinical testing. Allele origin: germline.

Mayo Clinic Laboratories, Mayo Clinic
Classification: Likely benign. Last evaluated: 2025-05-14. Review status: criteria provided, single submitter. Criteria: ACMG Guidelines, 2015. Collection method: clinical testing. Allele origin: germline. Observed: 1 variant allele.
Comment: BS1, BP4_moderate

Laboratory of Genetics, Children's Clinical University Hospital Latvia
Classification: Likely benign. Last evaluated: 2025-02-16. Review status: criteria provided, single submitter. Criteria: ACMG Guidelines, 2015. Collection method: clinical testing. Allele origin: germline. Affected: yes.

Blueprint Genetics
Classification: Likely benign. Last evaluated: 2024-11-07. Review status: criteria provided, single submitter. Criteria: ACMG Guidelines, 2015. Collection method: clinical testing. Allele origin: germline.

CeGaT Center for Human Genetics Tuebingen
Classification: Likely benign. Last evaluated: 2024-01-01. Review status: criteria provided, single submitter. Criteria: CeGaT Center For Human Genetics Tuebingen Variant Classification Criteria Version 2. Collection method: clinical testing. Allele origin: germline. Affected: yes. Observed: 2 variant alleles.
Comment: STX11: BP4

Ambry Genetics
Classification: Uncertain significance for Inborn genetic diseases. Last evaluated: 2021-10-18. Review status: criteria provided, single submitter. Criteria: Ambry Variant Classification Scheme 2023. Collection method: clinical testing. Allele origin: germline.

GeneDx
Classification: Uncertain significance. Last evaluated: 2019-09-03. Review status: criteria provided, single submitter. Criteria: GeneDx Variant Classification Process June 2021. Collection method: clinical testing. Allele origin: germline. Affected: yes.
Comment: Has not been previously published as pathogenic or benign to our knowledge; In silico analysis, which includes protein predictors and evolutionary conservation, supports that this variant does not alter protein structure/function

Illumina Laboratory Services, Illumina
Classification: Uncertain significance for Familial hemophagocytic lymphohistiocytosis 4. Last evaluated: 2018-01-12. Review status: criteria provided, single submitter. Criteria: ICSL Variant Classification Criteria 13 December 2019. Collection method: clinical testing. Allele origin: germline.

Literature cited by the submitters: PubMed 34155030 (cited by Mayo Clinic Laboratories, Mayo Clinic); PubMed 38937141 (cited by Mayo Clinic Laboratories, Mayo Clinic).

NM_003764.4(STX11):c.26T>G (p.Leu9Arg)

Gene: STX11 (syntaxin 11; plus strand). Cytogenetic location: 6q24.2.
Variant type: single nucleotide variant.
Coding change: c.26T>G on transcript NM_003764.4 (MANE Select); coding-DNA position 26, T replaced by G.
Protein change: p.Leu9Arg; replaces leucine 9 with arginine.
Molecular consequence: missense variant.
Genome position (GRCh38, 1-based): chr6:144,186,653, T>G. VCF-style: chr6-144186653-T-G. GRCh37 (hg19) VCF-style: chr6-144507790-T-G.
Other names: p.Leu9Arg; c.26T>G (LRG_113t1); short protein forms L9R.
Identifiers: ClinVar variation 355598 (VCV000355598.52), dbSNP rs34470310, ClinGen allele CA4031599.